The following is an entry in ClinVar:

ClinVar aggregate classification (germline): Uncertain significance (1 of 4 stars; one submission).

Submission:

Labcorp Genetics (formerly Invitae), Labcorp
Classification: Uncertain significance. Last evaluated: 2024-02-17. Review status: criteria provided, single submitter. Criteria: Invitae Variant Classification Sherloc (09022015). Collection method: clinical testing. Allele origin: germline.
Comment: This sequence change replaces leucine, which is neutral and non-polar, with proline, which is neutral and non-polar, at codon 68 of the TNNI3K protein (p.Leu68Pro). This variant is not present in population databases (gnomAD no frequency). This variant has not been reported in the literature in individuals affected with TNNI3K-related conditions. Advanced modeling of protein sequence and biophysical properties (such as structural, functional, and spatial information, amino acid conservation, physicochemical variation, residue mobility, and thermodynamic stability) performed at Invitae indicates that this missense variant is not expected to disrupt TNNI3K protein function with a negative predictive value of 80%. In summary, the available evidence is currently insufficient to determine the role of this variant in disease. Therefore, it has been classified as a Variant of Uncertain Significance.

NM_015978.3(TNNI3K):c.203T>C (p.Leu68Pro)

Genes: FPGT-TNNI3K (FPGT-TNNI3K readthrough; plus strand), TNNI3K (TNNI3 interacting kinase; plus strand). Cytogenetic location: 1p31.1.
Variant type: single nucleotide variant.
Coding change: c.203T>C on transcript NM_015978.3 (MANE Select); coding-DNA position 203, T replaced by C.
Protein change: p.Leu68Pro; replaces leucine 68 with proline.
Molecular consequence: missense variant.
Genome position (GRCh38, 1-based): chr1:74,249,512, T>C. VCF-style: chr1-74249512-T-C. GRCh37 (hg19) VCF-style: chr1-74715196-T-C.
Other names: c.506T>C, p.Leu169Pro (NM_001112808.3, NM_001199327.2); short protein forms L68P, L169P.
Identifiers: ClinVar variation 3698703 (VCV003698703.2).